The following is an entry in ClinVar:

NM_014252.4(SLC25A15):c.403C>T (p.Gln135Ter)

Gene: SLC25A15 (solute carrier family 25 member 15; plus strand). Cytogenetic location: 13q14.11.
Variant type: single nucleotide variant.
Coding change: c.403C>T on transcript NM_014252.4 (MANE Select); coding-DNA position 403, C replaced by T.
Protein change: p.Gln135Ter; replaces glutamine 135 with a stop codon.
Molecular consequence: nonsense.
Genome position (GRCh38, 1-based): chr13:40,805,206, C>T. VCF-style: chr13-40805206-C-T. GRCh37 (hg19) VCF-style: chr13-41379342-C-T.
Other names: short protein forms Q135*.
Identifiers: ClinVar variation 2122904 (VCV002122904.4), dbSNP rs754436560, ClinGen allele CA6959716.
Genomic context (GRCh38, chr13:40,805,206, plus strand): 5'-TTCGCCTCTGCCTTTGCTGCACTGGTGCTCTGCCCCACGGAGCTCGTGAAGTGCCGGCTG[C>T]AGACCATGTATGAGATGGAGACATCAGGGAAGATAGCCAAGAGCCAGAAGTAAGCACCAC-3'

ClinVar aggregate classification (germline): Pathogenic (1 of 4 stars; one submission).

Conditions:
Hyperornithinemia-hyperammonemia-homocitrullinuria syndrome (HHHS). Also called: Ornithine translocase deficiency; HHH SYNDROME. Identifiers: Orphanet 415, MedGen C0268540, MONDO:0009393, OMIM 238970.

Allele frequency attached by ClinVar (database versions not stated): gnomAD exomes below 0.00001; ExAC 0.00001.

Submission:

Labcorp Genetics (formerly Invitae), Labcorp
Classification: Pathogenic for Hyperornithinemia-hyperammonemia-homocitrullinuria syndrome. Last evaluated: 2022-04-19. Review status: criteria provided, single submitter. Criteria: Invitae Variant Classification Sherloc (09022015). Collection method: clinical testing. Allele origin: germline.
Comment: This sequence change creates a premature translational stop signal (p.Gln135*) in the SLC25A15 gene. It is expected to result in an absent or disrupted protein product. Loss-of-function variants in SLC25A15 are known to be pathogenic (PMID: 11552031, 19242930). The frequency data for this variant in the population databases is considered unreliable, as metrics indicate poor data quality at this position in the gnomAD database. This variant has not been reported in the literature in individuals affected with SLC25A15-related conditions. For these reasons, this variant has been classified as Pathogenic.

Literature cited by the submitters: PubMed 11552031; PubMed 19242930.